The following is an entry in ClinVar:

NM_182914.3(SYNE2):c.15556C>A (p.Leu5186Met)

Gene: SYNE2 (spectrin repeat containing nuclear envelope protein 2; plus strand). Cytogenetic location: 14q23.2.
Variant type: single nucleotide variant.
Coding change: c.15556C>A on transcript NM_182914.3 (MANE Select); coding-DNA position 15556, C replaced by A.
Protein change: p.Leu5186Met; replaces leucine 5186 with methionine.
Molecular consequence: missense variant.
Genome position (GRCh38, 1-based): chr14:64,146,140, C>A. VCF-style: chr14-64146140-C-A. GRCh37 (hg19) VCF-style: chr14-64612858-C-A.
Other names: NM_015180.4(SYNE2):c.15556C>A(p.Leu5186Met); NM_182914.2(SYNE2):c.15556C>A(p.Leu5186Met); c.15556C>A, p.Leu5186Met (NM_015180.6); short protein forms L5186M.
Identifiers: ClinVar variation 130480 (VCV000130480.24), dbSNP rs10151658, ClinGen allele CA155547.
Genomic context (GRCh38, chr14:64,146,140, plus strand): 5'-GAACAACTTCTAGAAAGTATCACTGAGAGTGAAAATAAAATACAGATCTTGAACAACTGG[C>A]TGGAAGCACAAGAAGAGAGACTGAAAACTTTACAAAAACCTGAAAGTGTGATCTCAGTGC-3'
Protein context (NP_878918.2, residues 5176-5196): ENKIQILNNW[Leu5186Met]EAQEERLKTL

ClinVar aggregate classification (germline): Benign. Review status: criteria provided, multiple submitters, no conflicts (2 of 4 stars). 9 submissions from 9 submitters: Benign (7). 2 of the submissions do not count toward it. Last evaluated 2026-02-04.

Conditions:
Emery-Dreifuss muscular dystrophy 5, autosomal dominant (EDMD5). Also called: EMERY-DREIFUSS MUSCULAR DYSTROPHY 5. Identifiers: Orphanet 261, MedGen C2751805, MONDO:0013072, OMIM 612999.

Allele frequency attached by ClinVar (database versions not stated): gnomAD exomes 0.49709; ExAC 0.50307; gnomAD 0.56664; ESP Exome Variant Server 0.57789; TOPMed 0.58607; 1000 Genomes Project 0.63179; 1000 Genomes Project 30x 0.63866.
gnomAD v4.1: 740,533 of 1,605,976 alleles (46%); highest among the groups gnomAD compares: African/African-American, 86%; 179,639 homozygotes.

Submissions (9):

Labcorp Genetics (formerly Invitae), Labcorp
Classification: Benign for Emery-Dreifuss muscular dystrophy 5, autosomal dominant. Last evaluated: 2026-02-04. Review status: criteria provided, single submitter. Criteria: Invitae Variant Classification Sherloc (09022015). Collection method: clinical testing. Allele origin: germline.

Genome-Nilou Lab
Classification: Benign for Emery-Dreifuss muscular dystrophy 5, autosomal dominant. Last evaluated: 2021-07-15. Review status: criteria provided, single submitter. Criteria: ACMG Guidelines, 2015. Collection method: clinical testing. Allele origin: germline. Affected: no.

GeneDx
Classification: Benign. Last evaluated: 2018-07-09. Review status: criteria provided, single submitter. Criteria: GeneDx Variant Classification Process June 2021. Collection method: clinical testing. Allele origin: germline. Affected: yes.

SIB Swiss Institute of Bioinformatics
Classification: Benign. Last evaluated: 2018-05-31. Review status: criteria provided, single submitter. Criteria: ACMG Guidelines, 2015. Collection method: curation. Allele origin: unknown.
Comment: This variant is interpreted as a Benign - Stand Alone. The following ACMG Tag(s) were applied: BA1 => Allele frequency is >5% in Exome Sequencing Project, 1000 Genomes Project, or Exome Aggregation Consortium.

Illumina Laboratory Services, Illumina
Classification: Benign for Emery-Dreifuss muscular dystrophy 5, autosomal dominant. Last evaluated: 2018-01-13. Review status: criteria provided, single submitter. Criteria: ICSL Variant Classification Criteria 13 December 2019. Collection method: clinical testing. Allele origin: germline.
Comment: This variant was observed in the ICSL laboratory as part of a predisposition screen in an ostensibly healthy population. It had not been previously curated by ICSL or reported in the Human Gene Mutation Database (HGMD: prior to June 1st, 2018), and was therefore a candidate for classification through an automated scoring system. Utilizing variant allele frequency, disease prevalence and penetrance estimates, and inheritance mode, an automated score was calculated to assess if this variant is too frequent to cause the disease. Based on the score and internal cut-off values, a variant classified as benign is not then subjected to further curation. The score for this variant resulted in a classification of benign for this disease.

Genetic Services Laboratory, University of Chicago
Classification: Benign for AllHighlyPenetrant. Last evaluated: 2013-08-15. Review status: criteria provided, single submitter. Criteria: ACMG Guidelines, 2007. Collection method: clinical testing. Allele origin: germline. Inheritance: Autosomal dominant inheritance.

Breakthrough Genomics
Classification: Benign. Review status: criteria provided, single submitter. Criteria: ACMG Guidelines, 2015. Collection method: not provided. Allele origin: germline. Inheritance: Autosomal dominant inheritance. Affected: yes.

Clinical Genetics, Academic Medical Center
Classification: Benign. Review status: no assertion criteria provided. Collection method: clinical testing. Allele origin: germline. Affected: yes. Study: VKGL Data-share Consensus. Not counted in ClinVar's aggregate classification.

Diagnostic Laboratory, Department of Genetics, University Medical Center Groningen
Classification: Benign for Emery-Dreifuss muscular dystrophy 5, autosomal dominant. Review status: no assertion criteria provided. Collection method: clinical testing. Allele origin: germline. Affected: yes. Study: VKGL Data-share Consensus. Not counted in ClinVar's aggregate classification.